The following is an entry in ClinVar:

NM_001127222.2(CACNA1A):c.4027T>C (p.Ser1343Pro)

Gene: CACNA1A (calcium voltage-gated channel subunit alpha1 A; minus strand). Cytogenetic location: 19p13.13.
Variant type: single nucleotide variant.
Coding change: c.4027T>C on transcript NM_001127222.2 (MANE Select); coding-DNA position 4027, T replaced by C.
Protein change: p.Ser1343Pro; replaces serine 1343 with proline.
Molecular consequence: missense variant.
Genome position (GRCh38, 1-based): chr19:13,262,796, A>G on the plus strand (T>C on the coding strand, the complement: CACNA1A is on the minus strand). VCF-style: chr19-13262796-A-G. GRCh37 (hg19) VCF-style: chr19-13373610-A-G.
Other names: c.4039T>C, p.Ser1347Pro (NM_000068.4, NM_023035.3); c.4030T>C, p.Ser1344Pro (NM_001127221.2, NM_001174080.2); short protein forms S1343P, S1344P, S1347P.
Identifiers: ClinVar variation 992630 (VCV000992630.11), dbSNP rs2056768058, ClinGen allele CA404340029.

ClinVar aggregate classification (germline): Conflicting classifications of pathogenicity. Review status: criteria provided, conflicting classifications (1 of 4 stars). 2 submissions from 2 submitters: Likely pathogenic (1); Uncertain significance (1). Last evaluated 2022-09-13.

Conditions:
Developmental and epileptic encephalopathy, 42 (DEE42A). Also called: Epileptic encephalopathy, early infantile, 42; DEVELOPMENTAL AND EPILEPTIC ENCEPHALOPATHY 42A; EPILEPTIC ENCEPHALOPATHY, EARLY INFANTILE, 42A. Identifiers: MedGen C4310716, MONDO:0014917, OMIM 617106.
Episodic ataxia type 2 (EA2). Also called: ACETAZOLAMIDE-RESPONSIVE HEREDITARY PAROXYSMAL CEREBELLAR ATAXIA; ATAXIA, EPISODIC, WITH NYSTAGMUS; ATAXIA, FAMILIAL PAROXYSMAL; CEREBELLAR ATAXIA, PAROXYSMAL, ACETAZOLAMIDE-RESPONSIVE; CEREBELLOPATHY, HEREDITARY PAROXYSMAL; EPISODIC ATAXIA, NYSTAGMUS-ASSOCIATED. Identifiers: Orphanet 97, MedGen C1720416, MONDO:0007163, OMIM 108500.
Migraine, familial hemiplegic, 1. Also called: MIGRAINE, FAMILIAL HEMIPLEGIC 1, WITH PROGRESSIVE CEREBELLAR ATAXIA. Identifiers: Orphanet 569, MedGen C1832884, MONDO:0020756, OMIM 141500, MONDO:0007714.

Submissions (2):

Labcorp Genetics (formerly Invitae), Labcorp
Classification: Uncertain significance for Developmental and epileptic encephalopathy, 42; Episodic ataxia type 2. Last evaluated: 2022-09-13. Review status: criteria provided, single submitter. Criteria: Invitae Variant Classification Sherloc (09022015). Collection method: clinical testing. Allele origin: germline.
Comment: In summary, the available evidence is currently insufficient to determine the role of this variant in disease. Therefore, it has been classified as a Variant of Uncertain Significance. Advanced modeling of protein sequence and biophysical properties (such as structural, functional, and spatial information, amino acid conservation, physicochemical variation, residue mobility, and thermodynamic stability) performed at Invitae indicates that this missense variant is expected to disrupt CACNA1A protein function. ClinVar contains an entry for this variant (Variation ID: 992630). This variant has not been reported in the literature in individuals affected with CACNA1A-related conditions. This variant is not present in population databases (gnomAD no frequency). This sequence change replaces serine, which is neutral and polar, with proline, which is neutral and non-polar, at codon 1344 of the CACNA1A protein (p.Ser1344Pro).

Pediatrics, MediClubGeorgia
Classification: Likely pathogenic for Migraine, familial hemiplegic, 1. Review status: criteria provided, single submitter. Criteria: ACMG Guidelines, 2015. Collection method: clinical testing. Allele origin: de novo. Affected: yes. Observed: 1 heterozygote.
Comment: This variant is absent in population databases. This variant has not been described in the literature. Parents were also tested and this variant was not detected. Advanced modeling of protein sequence and biophysical properties (such as structural, functional, and spatial information, amino acid conservation, physicochemical variation, residue mobility, and thermodynamic stability) performed at Invitae indicates that this missense variant is expected to disrupt CACNA1A protein function. FHM has been associated with missense alterations in CACNA1A that code for functional regions of the protein.